The following is an entry in ClinVar:

NM_001039876.3(SYNE4):c.228_229del (p.Trp77fs)

Gene: SYNE4 (spectrin repeat containing nuclear envelope family member 4; minus strand). Cytogenetic location: 19q13.12.
Variant type: Deletion.
Coding change: c.228_229del on transcript NM_001039876.3 (MANE Select); coding-DNA positions 228 to 229, 2 bases deleted (AT; older notation c.228_229delAT).
Protein change: p.Trp77fs; shifts the reading frame from tryptophan 77.
Molecular consequence: frameshift variant.
Genome position (GRCh38, 1-based): chr19:36,008,267-36,008,268, AT deleted on the plus strand (AT on the coding strand, the reverse complement: SYNE4 is on the minus strand). VCF-style (leftmost placement, unchanged base first): chr19-36008266-CAT-C. GRCh37 (hg19) VCF-style: chr19-36499168-CAT-C.
Other names: c.228_229del, p.Trp77fs (NM_001297735.3); c.228_229delAT (NM_001039876.3); short protein forms W77fs.
Identifiers: ClinVar variation 88870 (VCV000088870.5), dbSNP rs587777072, ClinGen allele CA214771.

ClinVar aggregate classification (germline): Pathogenic/Likely pathogenic. Review status: criteria provided, multiple submitters, no conflicts (2 of 4 stars). 5 submissions from 5 submitters: Pathogenic (2); Likely pathogenic (1). 2 of the submissions do not count toward it. Last evaluated 2026-04-03.

Conditions:
Autosomal recessive nonsyndromic hearing loss 76. Also called: Deafness, autosomal recessive 76. Identifiers: Orphanet 90636, MedGen C3147083, MONDO:0014237, OMIM 615540.
Nonsyndromic genetic hearing loss. Also called: Nonsyndromic genetic deafness; Nonsyndromic hearing loss and deafness; Non-syndromic genetic deafness. Identifiers: Orphanet 87884, MedGen C5680182, MONDO:0019497.

Allele frequency attached by ClinVar (database versions not stated): gnomAD 0.00001; ESP Exome Variant Server 0.00043.

Submissions (5):

Women's Health and Genetics/Laboratory Corporation of America, LabCorp
Classification: Likely pathogenic for Nonsyndromic genetic hearing loss. Last evaluated: 2026-04-03. Review status: criteria provided, single submitter. Criteria: LabCorp Variant Classification Summary - May 2015. Collection method: clinical testing. Allele origin: germline.
Comment: Variant summary: SYNE4 c.228_229delAT (p.Trp77ValfsX16) results in a premature termination codon, predicted to cause a truncation of the encoded protein or absence of the protein due to nonsense mediated decay, which are commonly known mechanisms for disease. At least one publication reports experimental evidence that this variant affects mRNA splicing, showing a shorter product reflecting skipping of exon 2 (predicted out of frame), however the presence of a similar amount of RNA in control and patient samples suggested nonsense mediated decay was not occurring (example, Horn_2013). The frequency data for this variant in gnomAD is considered unreliable, as metrics indicate poor data quality at this position. In the published literature, the carrier frequency among individuals of Iraqi-Jewish descent ranged between 0.003 and 0.013, which both exceed the maximum pathogenic allele frequency estimate for SYNE4-related deafness (Horn_2013, Brownstein_2020). c.228_229delAT has been observed in the presumed homozygous state in at least 2 families affected with clinical features of Nonsyndromic Hearing Loss And Deafness, Type 76 (example, Horn_2013, Brownstein_2020). These data indicate that the variant may be associated with disease. At least one publication reports experimental evidence evaluating an impact on protein function. The most pronounced variant effect results in similar protein expression levels in patient cells, however, the protein was mislocalized in the cytoplasm in COS7 cells (example, Horn_2013). Overall, these data suggest this variant may be a founder variant in the Iraqi-Jewish population causing a relatively mild phenotype characterized by progressive childhood-onset high-frequency deafness which may be due to the unclear functional consequences of this variant, rather than complete loss of function. The following publications have been ascertained in the context of this evaluation (PMID: 23348741, 33111345). ClinVar contains an entry for this variant (Variation ID: 88870). Based on the evidence outlined above, the variant was classified as likely pathogenic.

Labcorp Genetics (formerly Invitae), Labcorp
Classification: Pathogenic. Last evaluated: 2025-11-10. Review status: criteria provided, single submitter. Criteria: Invitae Variant Classification Sherloc (09022015). Collection method: clinical testing. Allele origin: germline.
Comment: This sequence change creates a premature translational stop signal (p.Trp77Valfs*16) in the SYNE4 gene. It is expected to result in an absent or disrupted protein product. Loss-of-function variants in SYNE4 are known to be pathogenic (PMID: 23348741, 28958982). This variant is present in population databases (no rsID available, gnomAD 0.007%). This premature translational stop signal has been observed in individual(s) with hearing loss (PMID: 23348741). ClinVar contains an entry for this variant (Variation ID: 88870). For these reasons, this variant has been classified as Pathogenic.

First Genomix Gene Laboratory, Genetic Diagnostics Department
Classification: Pathogenic for Autosomal recessive nonsyndromic hearing loss 76. Last evaluated: 2025-09-16. Review status: criteria provided, single submitter. Criteria: ACMG Guidelines, 2015. Collection method: clinical testing. Allele origin: germline. Inheritance: Autosomal recessive inheritance. Affected: no. Observed: 1 variant allele.

Laboratory of Prof. Karen Avraham, Tel Aviv University
Classification: Pathogenic for Autosomal recessive nonsyndromic hearing loss 76. Last evaluated: 2016-02-19. Review status: no assertion criteria provided. Collection method: research. Allele origin: germline. Affected: yes. Not counted in ClinVar's aggregate classification.
Comment: Postlingual, progressive HL

NSHL; recessive, DFNB76

OMIM
Classification: Pathogenic for DEAFNESS, AUTOSOMAL RECESSIVE 76. Last evaluated: 2013-02-01. Review status: no assertion criteria provided. Collection method: literature only. Allele origin: germline. Not counted in ClinVar's aggregate classification.

Literature cited by the submitters: PubMed 33111345 (cited by Women's Health and Genetics/Laboratory Corporation of America, LabCorp); PubMed 23348741 (cited by 3 submitters); PubMed 28958982 (cited by Labcorp Genetics (formerly Invitae), Labcorp).